The following is an entry in ClinVar:

ClinVar aggregate classification (germline): Uncertain significance (1 of 4 stars; one submission).

gnomAD v4.1: 2 of 1,607,678 alleles (0.00012%); highest among the groups gnomAD compares: Non-Finnish European, 0.00017%; no homozygotes.

Submission:

Labcorp Genetics (formerly Invitae), Labcorp
Classification: Uncertain significance. Last evaluated: 2024-12-27. Review status: criteria provided, single submitter. Criteria: Invitae Variant Classification Sherloc (09022015). Collection method: clinical testing. Allele origin: germline.
Comment: This sequence change replaces glutamine, which is neutral and polar, with histidine, which is basic and polar, at codon 240 of the RASA2 protein (p.Gln240His). This variant is not present in population databases (gnomAD no frequency). This variant has not been reported in the literature in individuals affected with RASA2-related conditions. An algorithm developed to predict the effect of missense changes on protein structure and function (PolyPhen-2) suggests that this variant is likely to be tolerated. In summary, the available evidence is currently insufficient to determine the role of this variant in disease. Therefore, it has been classified as a Variant of Uncertain Significance.

NM_006506.5(RASA2):c.720G>C (p.Gln240His)

Gene: RASA2 (RAS p21 protein activator 2; plus strand). Cytogenetic location: 3q23.
Variant type: single nucleotide variant.
Coding change: c.720G>C on transcript NM_006506.5 (MANE Select); coding-DNA position 720, G replaced by C.
Protein change: p.Gln240His; replaces glutamine 240 with histidine.
Molecular consequence: missense variant.
Genome position (GRCh38, 1-based): chr3:141,558,921, G>C. VCF-style: chr3-141558921-G-C. GRCh37 (hg19) VCF-style: chr3-141277763-G-C.
Other names: c.720G>C, p.Gln240His (NM_001303245.3, NM_001303246.3); short protein forms Q240H.
Identifiers: ClinVar variation 3726481 (VCV003726481.2).